The following is an entry in ClinVar:

ClinVar aggregate classification (germline): Uncertain significance (1 of 4 stars; one submission).

Conditions:
Cardiovascular phenotype. Identifiers: MedGen CN230736.

Submission:

Ambry Genetics
Classification: Uncertain significance for Cardiovascular phenotype. Last evaluated: 2022-08-27. Review status: criteria provided, single submitter. Criteria: Ambry Variant Classification Scheme 2023. Collection method: clinical testing. Allele origin: germline.
Comment: The p.L401V variant (also known as c.1201C>G), located in coding exon 9 of the NEXN gene, results from a C to G substitution at nucleotide position 1201. The leucine at codon 401 is replaced by valine, an amino acid with highly similar properties. This amino acid position is conserved. In addition, this alteration is predicted to be tolerated by in silico analysis. Since supporting evidence is limited at this time, the clinical significance of this alteration remains unclear.

NM_144573.4(NEXN):c.1201C>G (p.Leu401Val)

Gene: NEXN (nexilin F-actin binding protein; plus strand). Cytogenetic location: 1p31.1.
Variant type: single nucleotide variant.
Coding change: c.1201C>G on transcript NM_144573.4 (MANE Select); coding-DNA position 1201, C replaced by G.
Protein change: p.Leu401Val; replaces leucine 401 with valine.
Molecular consequence: missense variant.
Genome position (GRCh38, 1-based): chr1:77,933,429, C>G. VCF-style: chr1-77933429-C-G. GRCh37 (hg19) VCF-style: chr1-78399114-C-G.
Other names: c.1009C>G, p.Leu337Val (NM_001172309.2); short protein forms L337V, L401V.
Identifiers: ClinVar variation 1747636 (VCV001747636.2), dbSNP rs2523248442, ClinGen allele CA340877095.